The following is an entry in ClinVar:

ClinVar aggregate classification (germline): Conflicting classifications of pathogenicity. Review status: criteria provided, conflicting classifications (1 of 4 stars). 4 submissions from 4 submitters: Likely pathogenic (2); Uncertain significance (2). Last evaluated 2022-03-26.

Conditions:
Charcot-Marie-Tooth disease type 2. Also called: Charcot-Marie-Tooth type 2. Identifiers: Orphanet 64746, MedGen C0270914, MONDO:0018993.
Charcot-Marie-Tooth disease. Also called: Charcot-Marie-Tooth Neuropathy; Charcot-Marie-Tooth Hereditary Neuropathy. Identifiers: Orphanet 166, MedGen C0007959, MONDO:0015626.
Congenital cataract-microcephaly-nevus flammeus simplex-severe intellectual disability syndrome. Also called: Basel-Vanagaite-Smirin-Yosef syndrome. Identifiers: Orphanet 464738, MedGen C4225323, MONDO:0014643, OMIM 616449.
Neurodevelopmental delay. Identifiers: MedGen C4022738, HP:0012758.

Allele frequency attached by ClinVar (database versions not stated): gnomAD exomes 0.00001; ExAC 0.00002; TOPMed 0.00003; gnomAD 0.00001.
gnomAD v4.1: 8 of 1,603,434 alleles (0.0005%); highest among the groups gnomAD compares: Non-Finnish European, 0.00043%; no homozygotes.

Submissions (4):

Labcorp Genetics (formerly Invitae), Labcorp
Classification: Uncertain significance for Charcot-Marie-Tooth disease type 2. Last evaluated: 2022-03-26. Review status: criteria provided, single submitter. Criteria: Invitae Variant Classification Sherloc (09022015). Collection method: clinical testing. Allele origin: germline.
Comment: This sequence change replaces arginine, which is basic and polar, with tryptophan, which is neutral and slightly polar, at codon 186 of the MED25 protein (p.Arg186Trp). The frequency data for this variant in the population databases is considered unreliable, as metrics indicate poor data quality at this position in the gnomAD database. This missense change has been observed in individual(s) with clinical features of Charcot-Marie-Tooth disease (PMID: 32376792). ClinVar contains an entry for this variant (Variation ID: 619180). Algorithms developed to predict the effect of missense changes on protein structure and function are either unavailable or do not agree on the potential impact of this missense change (SIFT: "Deleterious"; PolyPhen-2: "Probably Damaging"; Align-GVGD: "Class C0"). In summary, the available evidence is currently insufficient to determine the role of this variant in disease. Therefore, it has been classified as a Variant of Uncertain Significance.

Medical Genetics Lab, Policlinico S. Orsola.Malpighi
Classification: Likely pathogenic for Congenital cataract-microcephaly-nevus flammeus simplex-severe intellectual disability syndrome. Last evaluated: 2019-02-14. Review status: criteria provided, single submitter. Criteria: ACMG Guidelines, 2015. Collection method: clinical testing. Allele origin: paternal. Inheritance: Autosomal recessive inheritance. Affected: yes. Observed: 1 compound heterozygote.
Comment: This is a rare missense variant affecting MED25. Only 2 alleles in gnomAD, allele frequency = 0.00000893 is smaller than 0.0001 threshold for recessive gene MED25. Multiple lines of computational evidence support a deleterious effect on the gene. Patient's phenotype is highly specific for a disease with a single genetic etiology. This variant was detected in trans with a pathogenic variant (p.Pro640LeufsTer81).

Centre de Biologie Pathologie Génétique, Centre Hospitalier Universitaire de Lille
Classification: Likely pathogenic for Neurodevelopmental delay. Review status: criteria provided, single submitter. Criteria: ACMG Guidelines, 2015. Collection method: clinical testing. Allele origin: biparental. Affected: yes.

Molecular Genetics Laboratory, London Health Sciences Centre
Classification: Uncertain significance for Charcot-Marie-Tooth disease. Review status: criteria provided, single submitter. Criteria: ACMG Guidelines, 2015. Collection method: clinical testing. Allele origin: germline. Affected: yes.

Literature cited by the submitters: PubMed 32376792 (cited by Labcorp Genetics (formerly Invitae), Labcorp).

NM_030973.4(MED25):c.556C>T (p.Arg186Trp)

Gene: MED25 (mediator complex subunit 25; plus strand). Cytogenetic location: 19q13.33.
Variant type: single nucleotide variant.
Coding change: c.556C>T on transcript NM_030973.4 (MANE Select); coding-DNA position 556, C replaced by T.
Protein change: p.Arg186Trp; replaces arginine 186 with tryptophan.
Molecular consequence: missense variant.
Genome position (GRCh38, 1-based): chr19:49,829,816, C>T. VCF-style: chr19-49829816-C-T. GRCh37 (hg19) VCF-style: chr19-50333073-C-T.
Other names: c.556C>T, p.Arg186Trp (NM_001378355.1); short protein forms R186W.
Identifiers: ClinVar variation 619180 (VCV000619180.6), dbSNP rs776291104, ClinGen allele CA9584913.